The following is an entry in ClinVar:

NM_201384.3(PLEC):c.13526C>G (p.Thr4509Ser)

Gene: PLEC (plectin; minus strand). Cytogenetic location: 8q24.3.
Variant type: single nucleotide variant.
Coding change: c.13526C>G on transcript NM_201384.3 (MANE Select); coding-DNA position 13526, C replaced by G.
Protein change: p.Thr4509Ser; replaces threonine 4509 with serine.
Molecular consequence: missense variant.
Genome position (GRCh38, 1-based): chr8:143,916,295, G>C on the plus strand (C>G on the coding strand, the complement: PLEC is on the minus strand). VCF-style: chr8-143916295-G-C. GRCh37 (hg19) VCF-style: chr8-144990463-G-C.
Other names: c.13607C>G, p.Thr4536Ser (NM_000445.5); c.13484C>G, p.Thr4495Ser (NM_201378.4); c.13460C>G, p.Thr4487Ser (NM_201379.3); c.13937C>G, p.Thr4646Ser (NM_201380.4); c.13430C>G, p.Thr4477Ser (NM_201381.3); c.13526C>G, p.Thr4509Ser (NM_201382.4); c.13538C>G, p.Thr4513Ser (NM_201383.3); short protein forms T4509S, T4536S, T4646S, T4477S, T4495S, T4487S, T4513S.
Identifiers: ClinVar variation 595924 (VCV000595924.7), dbSNP rs782125137, ClinGen allele CA4923767.

ClinVar aggregate classification (germline): Uncertain significance. Review status: criteria provided, multiple submitters, no conflicts (2 of 4 stars). 3 submissions from 3 submitters: Uncertain significance (3). Last evaluated 2026-01-18.

Conditions:
Epidermolysis bullosa simplex 5B, with muscular dystrophy (EBS5B). Also called: Epidermolysis bullosa simplex with muscular dystrophy; EPIDERMOLYSIS BULLOSA SIMPLEX AND LIMB-GIRDLE MUSCULAR DYSTROPHY. Identifiers: Orphanet 257, MedGen C2931072, MONDO:0009181, OMIM 226670.
Autosomal recessive limb-girdle muscular dystrophy type 2Q (LGMDR17). Also called: MUSCULAR DYSTROPHY, LIMB-GIRDLE, AUTOSOMAL RECESSIVE 17. Identifiers: Orphanet 254361, MedGen C3150989, MONDO:0013390, OMIM 613723.
Epidermolysis bullosa simplex, Ogna type (EBS5A). Also called: Pidermolysis bullosa simplex 5A, Ogna type; EPIDERMOLYSIS BULLOSA SIMPLEX 5A, OGNA TYPE. Identifiers: Orphanet 79401, MedGen C0432317, MONDO:0007555, OMIM 131950.
Epidermolysis bullosa simplex 5C, with pyloric atresia (EBS5C). Also called: PLEC-Related Epidermolysis Bullosa with Pyloric Atresia; Epidermolysis bullosa simplex with pyloric atresia; PLEC1-Related Epidermolysis Bullosa with Pyloric Atresia. Identifiers: Orphanet 158684, MedGen C2677349, MONDO:0012807, OMIM 612138.
Epidermolysis bullosa simplex with nail dystrophy (EBS5D). Identifiers: MedGen C4225309, MONDO:0014661, OMIM 616487.

Allele frequency attached by ClinVar (database versions not stated): gnomAD 0.00001; TOPMed 0.00001; ExAC 0.00004.
gnomAD v4.1: 11 of 1,578,024 alleles (0.0007%); highest among the groups gnomAD compares: Non-Finnish European, 0.00095%; no homozygotes.

Submissions (3):

Labcorp Genetics (formerly Invitae), Labcorp
Classification: Uncertain significance for Autosomal recessive limb-girdle muscular dystrophy type 2Q; Epidermolysis bullosa simplex, Ogna type; Epidermolysis bullosa simplex with nail dystrophy; Epidermolysis bullosa simplex 5C, with pyloric atresia; Epidermolysis bullosa simplex 5B, with muscular dystrophy. Last evaluated: 2026-01-18. Review status: criteria provided, single submitter. Criteria: Invitae Variant Classification Sherloc (09022015). Collection method: clinical testing. Allele origin: germline.
Comment: This sequence change replaces threonine, which is neutral and polar, with serine, which is neutral and polar, at codon 4536 of the PLEC protein (p.Thr4536Ser). This variant is present in population databases (rs782125137, gnomAD 0.001%). This variant has not been reported in the literature in individuals affected with PLEC-related conditions. ClinVar contains an entry for this variant (Variation ID: 595924). Invitae Evidence Modeling of protein sequence and biophysical properties (such as structural, functional, and spatial information, amino acid conservation, physicochemical variation, residue mobility, and thermodynamic stability) indicates that this missense variant is not expected to disrupt PLEC protein function with a negative predictive value of 80%. In summary, the available evidence is currently insufficient to determine the role of this variant in disease. Therefore, it has been classified as a Variant of Uncertain Significance.

Blueprint Genetics
Classification: Uncertain significance. Last evaluated: 2024-01-10. Review status: criteria provided, single submitter. Criteria: ACMG Guidelines, 2015. Collection method: clinical testing. Allele origin: germline.

Eurofins Ntd Llc (ga)
Classification: Uncertain significance. Last evaluated: 2018-01-30. Review status: criteria provided, single submitter. Criteria: EGL Classification Definitions 2015. Collection method: clinical testing. Allele origin: germline. Observed: 1 variant allele, 1 heterozygote.